The following is an entry in ClinVar:

NM_005751.5(AKAP9):c.11335A>C (p.Lys3779Gln)

Gene: AKAP9 (A-kinase anchoring protein 9; plus strand). Cytogenetic location: 7q21.2.
Variant type: single nucleotide variant.
Coding change: c.11335A>C on transcript NM_005751.5 (MANE Select); coding-DNA position 11335, A replaced by C.
Protein change: p.Lys3779Gln; replaces lysine 3779 with glutamine.
Molecular consequence: missense variant.
Genome position (GRCh38, 1-based): chr7:92,105,682, A>C. VCF-style: chr7-92105682-A-C. GRCh37 (hg19) VCF-style: chr7-91734996-A-C.
Other names: c.5980A>C, p.Lys1994Gln (NM_001379277.1); c.11311A>C, p.Lys3771Gln (NM_147185.3); short protein forms K3779Q, K3771Q, K1994Q.
Identifiers: ClinVar variation 360855 (VCV000360855.13), dbSNP rs886062479, ClinGen allele CA10626517.

ClinVar aggregate classification (germline): Uncertain significance. Review status: criteria provided, multiple submitters, no conflicts (2 of 4 stars). 2 submissions from 2 submitters: Uncertain significance (2). Last evaluated 2026-01-04.

Conditions:
Cardiovascular phenotype. Identifiers: MedGen CN230736.
Long QT syndrome (LQTS). Identifiers: MedGen C0023976, MeSH D008133, MONDO:0002442. Disease mechanism: loss of function. Inheritance: Various modes of inheritance.

Allele frequency attached by ClinVar (database versions not stated): gnomAD exomes below 0.00001.
gnomAD v4.1: 3 of 1,613,838 alleles (0.00019%); highest among the groups gnomAD compares: Non-Finnish European, 0.00025%; no homozygotes.

Submissions (2):

Labcorp Genetics (formerly Invitae), Labcorp
Classification: Uncertain significance for Long QT syndrome. Last evaluated: 2026-01-04. Review status: criteria provided, single submitter. Criteria: Invitae Variant Classification Sherloc (09022015). Collection method: clinical testing. Allele origin: germline.
Comment: This sequence change replaces lysine, which is basic and polar, with glutamine, which is neutral and polar, at codon 3779 of the AKAP9 protein (p.Lys3779Gln). This variant is not present in population databases (gnomAD no frequency). This variant has not been reported in the literature in individuals affected with AKAP9-related conditions. ClinVar contains an entry for this variant (Variation ID: 360855). An algorithm developed to predict the effect of missense changes on protein structure and function (PolyPhen-2) suggests that this variant is likely to be disruptive. In summary, the available evidence is currently insufficient to determine the role of this variant in disease. Therefore, it has been classified as a Variant of Uncertain Significance.

Ambry Genetics
Classification: Uncertain significance for Cardiovascular phenotype. Last evaluated: 2025-06-10. Review status: criteria provided, single submitter. Criteria: Ambry Variant Classification Scheme 2023. Collection method: clinical testing. Allele origin: germline.
Comment: The p.K3779Q variant (also known as c.11335A>C), located in coding exon 47 of the AKAP9 gene, results from an A to C substitution at nucleotide position 11335. The lysine at codon 3779 is replaced by glutamine, an amino acid with similar properties. This amino acid position is conserved. In addition, the in silico prediction for this alteration is inconclusive. Based on the available evidence, the clinical significance of this variant remains unclear.